The following is an entry in ClinVar:

NM_198525.3(KIF7):c.1064T>C (p.Val355Ala)

Gene: KIF7 (kinesin family member 7; minus strand). Cytogenetic location: 15q26.1.
Variant type: single nucleotide variant.
Coding change: c.1064T>C on transcript NM_198525.3 (MANE Select); coding-DNA position 1064, T replaced by C.
Protein change: p.Val355Ala; replaces valine 355 with alanine.
Molecular consequence: missense variant.
Genome position (GRCh38, 1-based): chr15:89,648,634, A>G on the plus strand (T>C on the coding strand, the complement: KIF7 is on the minus strand). VCF-style: chr15-89648634-A-G. GRCh37 (hg19) VCF-style: chr15-90191865-A-G.
Other names: short protein forms V355A.
Identifiers: ClinVar variation 1518036 (VCV001518036.8), dbSNP rs1964064450, ClinGen allele CA393772783.
Genomic context (GRCh38, chr15:89,648,634, plus strand): 5'-GGACCCCGCGCGCCGCTCGCCGTCTCTTCGGGTGGCCGCTCGGCCTCGGGCCGCCAGTTG[A>G]CCGTGGCGCGGTTGCGGATGTTCTGGGCGCGGCTGGCGTAGTTGAGGGTGTTGAGGGTCT-3'
Protein context (NP_940927.2, residues 345-365): RAQNIRNRAT[Val355Ala]NWRPEAERPP

ClinVar aggregate classification (germline): Uncertain significance (1 of 4 stars; one submission).

Conditions:
Acrocallosal syndrome (ACLS). Also called: HALLUX DUPLICATION, POSTAXIAL POLYDACTYLY, AND ABSENCE OF CORPUS CALLOSUM; Schinzel syndrome 1; Absence of corpus callosum with unusual facial appearance, mental deficiency, duplication of the halluces and polydactyly. Identifiers: Orphanet 36, MedGen C0796147, MONDO:0008708, OMIM 200990.

Allele frequency attached by ClinVar (database versions not stated): TOPMed below 0.00001; gnomAD exomes 0.00002.

Submission:

Labcorp Genetics (formerly Invitae), Labcorp
Classification: Uncertain significance for Acrocallosal syndrome. Last evaluated: 2022-03-10. Review status: criteria provided, single submitter. Criteria: Invitae Variant Classification Sherloc (09022015). Collection method: clinical testing. Allele origin: germline.
Comment: In summary, the available evidence is currently insufficient to determine the role of this variant in disease. Therefore, it has been classified as a Variant of Uncertain Significance. Algorithms developed to predict the effect of missense changes on protein structure and function are either unavailable or do not agree on the potential impact of this missense change (SIFT: "Deleterious"; PolyPhen-2: "Benign"; Align-GVGD: "Class C0"). This variant has not been reported in the literature in individuals affected with KIF7-related conditions. This variant is not present in population databases (gnomAD no frequency). This sequence change replaces valine, which is neutral and non-polar, with alanine, which is neutral and non-polar, at codon 355 of the KIF7 protein (p.Val355Ala).